The following is an entry in ClinVar:

NM_001430.5(EPAS1):c.2488T>G (p.Ser830Ala)

Gene: EPAS1 (endothelial PAS domain protein 1; plus strand). Cytogenetic location: 2p21.
Variant type: single nucleotide variant.
Coding change: c.2488T>G on transcript NM_001430.5 (MANE Select); coding-DNA position 2488, T replaced by G.
Protein change: p.Ser830Ala; replaces serine 830 with alanine.
Molecular consequence: missense variant.
Genome position (GRCh38, 1-based): chr2:46,384,535, T>G. VCF-style: chr2-46384535-T-G. GRCh37 (hg19) VCF-style: chr2-46611674-T-G.
Other names: short protein forms S830A.
Identifiers: ClinVar variation 3221633 (VCV003221633.1), dbSNP rs2546483597, ClinGen allele CA346706978.
Genomic context (GRCh38, chr2:46,384,535, plus strand): 5'-GGCCTTTAAGTTATGGTACCAACCCTTCTTTCAGGCATGGCAAGCCGGCTGCTCGGGCCC[T>G]CATTTGAGTCCTACCTGCTGCCCGAACTGACCAGATATGACTGTGAGGTGAACGTGCCCG-3'
Protein context (NP_001421.2, residues 820-840): SGMASRLLGP[Ser830Ala]FESYLLPELT

ClinVar aggregate classification (germline): Uncertain significance (1 of 4 stars; one submission).

Conditions:
Inborn genetic diseases. Identifiers: MedGen C0950123, MeSH D030342.

Submission:

Ambry Genetics
Classification: Uncertain significance for Inborn genetic diseases. Last evaluated: 2024-02-13. Review status: criteria provided, single submitter. Criteria: Ambry Variant Classification Scheme 2023. Collection method: clinical testing. Allele origin: germline.
Comment: The p.S830A variant (also known as c.2488T>G), located in coding exon 16 of the EPAS1 gene, results from a T to G substitution at nucleotide position 2488. The serine at codon 830 is replaced by alanine, an amino acid with similar properties. This amino acid position is conserved. In addition, the in silico prediction for this alteration is inconclusive. Based on the available evidence, the clinical significance of this alteration remains unclear.